The following is an entry in ClinVar:

NM_004817.4(TJP2):c.766_769del (p.Ala256fs)

Gene: TJP2 (tight junction protein 2; plus strand). Cytogenetic location: 9q21.11.
Variant type: Deletion.
Coding change: c.766_769del on transcript NM_004817.4 (MANE Select); coding-DNA positions 766 to 769, 4 bases deleted (GCCT; older notation c.766_769delGCCT).
Protein change: p.Ala256fs; shifts the reading frame from alanine 256.
Molecular consequence: frameshift variant.
Genome position (GRCh38, 1-based): chr9:69,221,310-69,221,313, GCCT deleted. VCF-style (leftmost placement, unchanged base first): chr9-69221309-GGCCT-G. GRCh37 (hg19) VCF-style: chr9-71836225-GGCCT-G.
Other names: c.766_769del, p.Ala256fs (LRG_1201t1, NM_001369872.1, NM_001369873.1 and 1 more transcripts); c.697_700del, p.Ala233fs (NM_001170414.2, NM_001369870.1, NM_001369871.1); c.778_781del, p.Ala260fs (NM_001170415.1, NM_001369874.1, NM_001369875.1); c.859_862del, p.Ala287fs (NM_001170416.2); short protein forms A260fs, A287fs, A233fs, A256fs.
Identifiers: ClinVar variation 139627 (VCV000139627.7), dbSNP rs587777518, ClinGen allele CA251339.

ClinVar aggregate classification (germline): Conflicting classifications of pathogenicity. Review status: criteria provided, conflicting classifications (1 of 4 stars). 4 submissions from 4 submitters: Pathogenic (2); Uncertain significance (1). 1 of the submissions does not count toward it. Last evaluated 2024-04-04.

Conditions:
Cholestasis, progressive familial intrahepatic, 4. Identifiers: Orphanet 480483, Orphanet 79304, MedGen C2931067, MONDO:0014381, OMIM 615878.
Hypercholanemia, familial 1 (FHCA1). Identifiers: Orphanet 238475, MedGen C5542604, MONDO:0031446, OMIM 607748.

Submissions (4):

Genomic Medicine Center of Excellence, King Faisal Specialist Hospital and Research Centre
Classification: Uncertain significance for Hypercholanemia, familial 1. Last evaluated: 2024-04-04. Review status: criteria provided, single submitter. Criteria: ACMG Guidelines, 2015. Collection method: clinical testing. Allele origin: germline.

GeneDx
Classification: Pathogenic. Last evaluated: 2022-12-28. Review status: criteria provided, single submitter. Criteria: GeneDx Variant Classification Process June 2021. Collection method: clinical testing. Allele origin: germline. Affected: yes.
Comment: Frameshift variant predicted to result in protein truncation or nonsense mediated decay in a gene for which loss of function is a known mechanism of disease; Not observed at significant frequency in large population cohorts (gnomAD); This variant is associated with the following publications: (PMID: 24614073)

Eurofins Ntd Llc (ga)
Classification: Pathogenic. Last evaluated: 2014-10-17. Review status: criteria provided, single submitter. Criteria: EGL Classification Definitions 2015. Collection method: clinical testing. Allele origin: germline. Observed: 1 variant allele, 1 homozygote.

OMIM
Classification: Pathogenic for CHOLESTASIS, PROGRESSIVE FAMILIAL INTRAHEPATIC, 4. Last evaluated: 2014-04-01. Review status: no assertion criteria provided. Collection method: literature only. Allele origin: germline. Not counted in ClinVar's aggregate classification.

Literature cited by the submitters: PubMed 24614073 (cited by Eurofins Ntd Llc (ga) and OMIM).